The following is an entry in ClinVar:

NM_001009944.3(PKD1):c.11016G>C (p.Arg3672=)

Genes: PKD1 (polycystin 1, transient receptor potential channel interacting; minus strand), PKD1-AS1 (PKD1 antisense RNA 1; plus strand). Cytogenetic location: 16p13.3.
Variant type: single nucleotide variant.
Coding change: c.11016G>C on transcript NM_001009944.3 (MANE Select); coding-DNA position 11016, G replaced by C.
Protein change: p.Arg3672=; no amino-acid change (arginine 3672 retained).
Molecular consequence: synonymous variant.
Genome position (GRCh38, 1-based): chr16:2,093,544, C>G on the plus strand (G>C on the coding strand, the complement: PKD1 is on the minus strand). VCF-style: chr16-2093544-C-G. GRCh37 (hg19) VCF-style: chr16-2143545-C-G.
Other names: c.11013G>C, p.Arg3671= (NM_000296.4).
Identifiers: ClinVar variation 4852345 (VCV004852345.1).
Genomic context (GRCh38, chr16:2,093,544, plus strand): 5'-GGTGGGAGGTGGGAGACAAGAGACGGAGGTGGCAGGGGCACAGGCCGCACCCAGGCTCAC[C>G]CGCAGCATGCCATGTAGCCTCTTGACCTTGCGGGCTTCTTCCTTGGCCAGGAAGAGTGCA-3'
Protein context (NP_001009944.3, residues 3662-3682): RKVKRLHGML[Arg3672=]SLLVYMLFLL

ClinVar aggregate classification (germline): Uncertain significance (1 of 4 stars; one submission).

Conditions:
Polycystic kidney disease, adult type (PKD1). Also called: Polycystic Kidney, Autosomal Dominant; POLYCYSTIC KIDNEY DISEASE, ADULT, TYPE I; Polycystic Kidney Disease 1, Autosomal Dominant; Polycystic kidney disease 1; Polycystic kidney disease 1, severe; POLYCYSTIC KIDNEY DISEASE 1 WITH OR WITHOUT POLYCYSTIC LIVER DISEASE. Identifiers: MedGen C3149841, MONDO:0008263, OMIM 173900.

Submission:

MVZ Medizinische Genetik Mainz
Classification: Uncertain significance for Polycystic kidney disease, adult type. Last evaluated: 2026-05-11. Review status: criteria provided, single submitter. Criteria: UK Practice Guidelines For Variant Classification V4 01 2020. Collection method: clinical testing. Allele origin: germline. Inheritance: Autosomal dominant inheritance. Affected: yes. Observed: 1 variant allele.
Comment: ACMG Criteria: PM2_SUP,PP3,PP4